The following is an entry in ClinVar:

NM_002047.4(GARS1):c.1904-5G>A

Gene: GARS1 (glycyl-tRNA synthetase 1; plus strand). Cytogenetic location: 7p14.3.
Variant type: single nucleotide variant.
Coding change: c.1904-5G>A on transcript NM_002047.4 (MANE Select); 5 bases into the intron before coding-DNA position 1904, G replaced by A.
Molecular consequence: intron variant.
Genome position (GRCh38, 1-based): chr7:30,632,242, G>A. VCF-style: chr7-30632242-G-A. GRCh37 (hg19) VCF-style: chr7-30671858-G-A.
Other names: c.1742-5G>A (NM_001316772.1).
Identifiers: ClinVar variation 1800013 (VCV001800013.2), dbSNP rs2128136288, ClinGen allele CA2580077132.

ClinVar aggregate classification (germline): Uncertain significance (1 of 4 stars; one submission).

Allele frequency attached by ClinVar (database versions not stated): gnomAD exomes below 0.00001.
gnomAD v4.1: 6 of 1,613,860 alleles (0.00037%); highest among the groups gnomAD compares: Non-Finnish European, 0.00051%; no homozygotes.

Submission:

Ambry Genetics
Classification: Uncertain significance. Last evaluated: 2022-02-24. Review status: criteria provided, single submitter. Criteria: Ambry Variant Classification Scheme 2023. Collection method: clinical testing. Allele origin: germline.
Comment: The c.1904-5G>A intronic variant results from a G to A substitution 5 nucleotides upstream from coding exon 16 in the GARS gene. This nucleotide position is not well conserved in available vertebrate species. In silico splice site analysis predicts that this alteration will not have any significant effect on splicing. Since supporting evidence is limited at this time, the clinical significance of this alteration remains unclear.